The following is an entry in ClinVar:

ClinVar aggregate classification (germline): Benign. Review status: criteria provided, multiple submitters, no conflicts (2 of 4 stars). 5 submissions from 5 submitters: Benign (5). Last evaluated 2026-02-03.

Conditions:
Congenital muscular hypertrophy-cerebral syndrome (CDLS2). Also called: SMC1A-Related Cornelia de Lange Syndrome; Cornelia de Lange syndrome 2. Identifiers: Orphanet 199, MedGen C1802395, MONDO:0010370, OMIM 300590.

Allele frequency attached by ClinVar (database versions not stated): gnomAD exomes 0.00158 and 0.00420; ExAC 0.00546; gnomAD 0.01441 and 0.01511; ESP Exome Variant Server 0.01534; TOPMed 0.01663; 1000 Genomes Project 0.02040; 1000 Genomes Project 30x 0.02185.
gnomAD v4.1: 3,418 of 1,195,037 alleles (0.29%); highest among the groups gnomAD compares: African/African-American, 4.9%; 68 homozygotes.

Submissions (5):

Labcorp Genetics (formerly Invitae), Labcorp
Classification: Benign for Congenital muscular hypertrophy-cerebral syndrome. Last evaluated: 2026-02-03. Review status: criteria provided, single submitter. Criteria: Invitae Variant Classification Sherloc (09022015). Collection method: clinical testing. Allele origin: germline.

GeneDx
Classification: Benign. Last evaluated: 2018-08-15. Review status: criteria provided, single submitter. Criteria: GeneDx Variant Classification Process June 2021. Collection method: clinical testing. Allele origin: germline. Affected: yes.

Illumina Laboratory Services, Illumina
Classification: Benign for Congenital muscular hypertrophy-cerebral syndrome. Last evaluated: 2018-01-13. Review status: criteria provided, single submitter. Criteria: ICSL Variant Classification Criteria 13 December 2019. Collection method: clinical testing. Allele origin: germline.
Comment: This variant was observed in the ICSL laboratory as part of a predisposition screen in an ostensibly healthy population. It had not been previously curated by ICSL or reported in the Human Gene Mutation Database (HGMD: prior to June 1st, 2018), and was therefore a candidate for classification through an automated scoring system. Utilizing variant allele frequency, disease prevalence and penetrance estimates, and inheritance mode, an automated score was calculated to assess if this variant is too frequent to cause the disease. Based on the score and internal cut-off values, a variant classified as benign is not then subjected to further curation. The score for this variant resulted in a classification of benign for this disease.

Genetic Services Laboratory, University of Chicago
Classification: Benign. Last evaluated: 2013-02-08. Review status: criteria provided, single submitter. Criteria: ACMG Guidelines, 2007. Collection method: clinical testing. Allele origin: germline. Inheritance: X-linked inheritance.

Eurofins Ntd Llc (ga)
Classification: Benign. Last evaluated: 2012-07-17. Review status: criteria provided, single submitter. Criteria: EGL Classification Definitions 2015. Collection method: clinical testing. Allele origin: germline. Observed: 1 variant allele, 1 heterozygote.

NM_006306.4(SMC1A):c.412-10C>T

Gene: SMC1A (structural maintenance of chromosomes 1A; minus strand). Cytogenetic location: Xp11.22.
Variant type: single nucleotide variant.
Coding change: c.412-10C>T on transcript NM_006306.4 (MANE Select); 10 bases into the intron before coding-DNA position 412, C replaced by T.
Molecular consequence: intron variant.
Genome position (GRCh38, 1-based): chrX:53,413,445, G>A on the plus strand (C>T on the coding strand, the complement: SMC1A is on the minus strand). VCF-style: chrX-53413445-G-A. GRCh37 (hg19) VCF-style: chrX-53440395-G-A.
Other names: c.346-10C>T (NM_001281463.1).
Identifiers: ClinVar variation 95367 (VCV000095367.24), dbSNP rs149219651, ClinGen allele CA148486.